The following is an entry in ClinVar:

NM_001032386.2(SUOX):c.1126C>T (p.Arg376Cys)

Gene: SUOX (sulfite oxidase; plus strand). Cytogenetic location: 12q13.2.
Variant type: single nucleotide variant.
Coding change: c.1126C>T on transcript NM_001032386.2 (MANE Select); coding-DNA position 1126, C replaced by T.
Protein change: p.Arg376Cys; replaces arginine 376 with cysteine.
Molecular consequence: missense variant.
Genome position (GRCh38, 1-based): chr12:56,004,515, C>T. VCF-style: chr12-56004515-C-T. GRCh37 (hg19) VCF-style: chr12-56398299-C-T.
Other names: c.1126C>T, p.Arg376Cys (NM_000456.3, NM_001032387.2); short protein forms R376C.
Identifiers: ClinVar variation 802864 (VCV000802864.5), dbSNP rs781081194, ClinGen allele CA237605274.

ClinVar aggregate classification (germline): Conflicting classifications of pathogenicity. Review status: criteria provided, conflicting classifications (1 of 4 stars). 3 submissions from 3 submitters: Likely pathogenic (1); Uncertain significance (2). Last evaluated 2025-09-18.

Conditions:
Sulfite oxidase deficiency. Also called: Isolated sulfite oxidase deficiency. Identifiers: Orphanet 833, Orphanet 99731, MedGen C0268624, MONDO:0010089, OMIM 272300, HP:0003643.

Allele frequency attached by ClinVar (database versions not stated): gnomAD 0.00001; gnomAD exomes 0.00001; TOPMed 0.00001.

Submissions (3):

3billion
Classification: Uncertain significance for Sulfite oxidase deficiency. Last evaluated: 2025-09-18. Review status: criteria provided, single submitter. Criteria: ACMG Guidelines, 2015. Collection method: clinical testing. Allele origin: germline. Affected: yes.
Comment: The variant is observed at an extremely low frequency in the gnomAD v4.1.0 dataset (total allele frequency: <0.001%). Predicted Consequence/Location: Missense variant. The majority of the known disease-causing variants of this gene are variants expected to result in premature termination of the protein. In silico tool predictions suggest damaging effect of the variant on gene or gene product [REVEL: 0.91 (>=0.6, sensitivity 0.68 and specificity 0.92); 3Cnet: 0.97 (> 0.75, sensitivity 0.96 and precision 0.92)]. The same nucleotide change resulting in the same amino acid change has been previously reported to be associated with SUOX-related disorder (ClinVar ID: VCV000802864 /PMID: 12112661). However, the evidence of pathogenicity is insufficient at this time. Therefore, this variant is classified as VUS according to the recommendation of ACMG/AMP guideline.

Women's Health and Genetics/Laboratory Corporation of America, LabCorp
Classification: Uncertain significance. Last evaluated: 2025-01-02. Review status: criteria provided, single submitter. Criteria: LabCorp Variant Classification Summary - May 2015. Collection method: clinical testing. Allele origin: germline.
Comment: Variant summary: SUOX c.1126C>T (p.Arg376Cys) results in a non-conservative amino acid change located in the Oxidoreductase, molybdopterin-binding domain (IPR000572) of the encoded protein sequence. Three of three in-silico tools predict a damaging effect of the variant on protein function. The variant allele was found at a frequency of 8e-06 in 251194 control chromosomes. The available data on variant occurrences in the general population are insufficient to allow any conclusion about variant significance. c.1126C>T has been reported in the literature in an individual affected with Sulfite Oxidase Deficiency, however they also had a frameshift variant upstream on the same allele (Johnson_2002). Therefore, this report does not provide unequivocal conclusions about association of the variant with Sulfite Oxidase Deficiency. To our knowledge, no experimental evidence demonstrating an impact on protein function has been reported. The following publication has been ascertained in the context of this evaluation (PMID: 12112661). ClinVar contains an entry for this variant (Variation ID: 802864). Based on the evidence outlined above, the variant was classified as uncertain significance.

Mendelics
Classification: Likely pathogenic for Sulfite oxidase deficiency. Last evaluated: 2019-05-28. Review status: criteria provided, single submitter. Criteria: Mendelics Assertion Criteria 2017. Collection method: clinical testing. Allele origin: unknown.

Literature cited by the submitters: PubMed 12112661 (cited by 3billion and Women's Health and Genetics/Laboratory Corporation of America, LabCorp).